The following is an entry in ClinVar:

ClinVar aggregate classification (germline): Likely pathogenic (1 of 4 stars; one submission).

Conditions:
Early-infantile DEE. Also called: Early infantile epileptic encephalopathy; Ohtahara syndrome; Early infantile epileptic encephalopathy with suppression bursts. Identifiers: Orphanet 1934, MedGen C0393706, MONDO:0800491.

Submission:

Labcorp Genetics (formerly Invitae), Labcorp
Classification: Likely pathogenic for Early-infantile DEE. Last evaluated: 2022-09-07. Review status: criteria provided, single submitter. Criteria: Invitae Variant Classification Sherloc (09022015). Collection method: clinical testing. Allele origin: germline.
Comment: This variant has not been reported in the literature in individuals affected with CACNA2D2-related conditions. ClinVar contains an entry for this variant (Variation ID: 949419). Algorithms developed to predict the effect of sequence changes on RNA splicing suggest that this variant may disrupt the consensus splice site. In summary, the currently available evidence indicates that the variant is pathogenic, but additional data are needed to prove that conclusively. Therefore, this variant has been classified as Likely Pathogenic. This variant is not present in population databases (gnomAD no frequency). This sequence change affects a donor splice site in intron 8 of the CACNA2D2 gene. It is expected to disrupt RNA splicing. Variants that disrupt the donor or acceptor splice site typically lead to a loss of protein function (PMID: 16199547), and loss-of-function variants in CACNA2D2 are known to be pathogenic (PMID: 24358150).

Literature cited by the submitters: PubMed 16199547; PubMed 24358150.

NM_006030.4(CACNA2D2):c.842+1G>A

Gene: CACNA2D2 (calcium voltage-gated channel auxiliary subunit alpha2delta 2; minus strand). Cytogenetic location: 3p21.31.
Variant type: single nucleotide variant.
Coding change: c.842+1G>A on transcript NM_006030.4 (MANE Select); the canonical splice donor site of the intron after coding-DNA position 842, G replaced by A.
Molecular consequence: splice donor variant.
Genome position (GRCh38, 1-based): chr3:50,380,747, C>T on the plus strand (G>A on the coding strand, the complement: CACNA2D2 is on the minus strand). VCF-style: chr3-50380747-C-T. GRCh37 (hg19) VCF-style: chr3-50418178-C-T.
Other names: c.842+1G>A (NM_001005505.3, NM_001410768.1, NM_001174051.3); c.635+1G>A (NM_001291101.1).
Identifiers: ClinVar variation 949419 (VCV000949419.8), dbSNP rs1705258881, ClinGen allele CA352938926.
Genomic context (GRCh38, chr3:50,380,747, plus strand): 5'-CAGGCAGGAAAGGTGGGGAACTGAGGGGGTGTCCCTCCCCAGCCCCTTCTTGCTCGCTCA[C>T]CAGGGTCTCCTTCGGACATCGTACAGGTCGATCTTCTTGGGGGCTCGCCACGGGGTGGCT-3'